The following is an entry in ClinVar:

NM_014633.5(CTR9):c.694G>A (p.Val232Met)

Gene: CTR9 (CTR9 component of Paf1/RNA polymerase II complex; plus strand). Cytogenetic location: 11p15.4.
Variant type: single nucleotide variant.
Coding change: c.694G>A on transcript NM_014633.5 (MANE Select); coding-DNA position 694, G replaced by A.
Protein change: p.Val232Met; replaces valine 232 with methionine.
Molecular consequence: missense variant.
Genome position (GRCh38, 1-based): chr11:10,760,274, G>A. VCF-style: chr11-10760274-G-A. GRCh37 (hg19) VCF-style: chr11-10781821-G-A.
Other names: c.694G>A, p.Val232Met (NM_001346279.2); short protein forms V232M.
Identifiers: ClinVar variation 4692725 (VCV004692725.1).

ClinVar aggregate classification (germline): Uncertain significance (1 of 4 stars; one submission).

gnomAD v4.1: 4 of 1,613,984 alleles (0.00025%); highest among the groups gnomAD compares: Non-Finnish European, 0.00025%; no homozygotes.

Submission:

Labcorp Genetics (formerly Invitae), Labcorp
Classification: Uncertain significance. Last evaluated: 2025-11-14. Review status: criteria provided, single submitter. Criteria: Invitae Variant Classification Sherloc (09022015). Collection method: clinical testing. Allele origin: germline.
Comment: This sequence change replaces valine, which is neutral and non-polar, with methionine, which is neutral and non-polar, at codon 232 of the CTR9 protein (p.Val232Met). This variant is not present in population databases (gnomAD no frequency). This variant has not been reported in the literature in individuals affected with CTR9-related conditions. An algorithm developed to predict the effect of missense changes on protein structure and function (PolyPhen-2) suggests that this variant is likely to be tolerated. In summary, the available evidence is currently insufficient to determine the role of this variant in disease. Therefore, it has been classified as a Variant of Uncertain Significance.